The following is an entry in ClinVar:

ClinVar aggregate classification (germline): Uncertain significance. Review status: criteria provided, multiple submitters, no conflicts (2 of 4 stars). 3 submissions from 3 submitters: Uncertain significance (3). Last evaluated 2025-09-17.

Conditions:
Hereditary cancer-predisposing syndrome. Also called: Hereditary neoplastic syndrome; Neoplastic Syndromes, Hereditary; Tumor predisposition; Hereditary Cancer Syndrome. Identifiers: Orphanet 140162, MedGen C0027672, MeSH D009386, MONDO:0015356.
Ataxia-telangiectasia syndrome (AT). Also called: Ataxia telangiectasia (A-T); LOUIS-BAR SYNDROME; Cerebello-oculocutaneous telangiectasia; Immunodeficiency with ataxia telangiectasia; Ataxia-telangiectasia, complementation group D; AT, COMPLEMENTATION GROUP C. Identifiers: Orphanet 100, MedGen C0004135, MONDO:0008840, OMIM 208900.

Submissions (3):

Ambry Genetics
Classification: Uncertain significance for Hereditary cancer-predisposing syndrome. Last evaluated: 2025-09-17. Review status: criteria provided, single submitter. Criteria: Ambry Variant Classification Scheme 2023. Collection method: clinical testing. Allele origin: germline.
Comment: The p.N992S variant (also known as c.2975A>G), located in coding exon 19 of the ATM gene, results from an A to G substitution at nucleotide position 2975. The asparagine at codon 992 is replaced by serine, an amino acid with highly similar properties. This amino acid position is not well conserved in available vertebrate species. In addition, this alteration is predicted to be tolerated by in silico analysis. Since supporting evidence is limited at this time, the clinical significance of this alteration remains unclear.

Color Diagnostics, LLC DBA Color Health
Classification: Uncertain significance for Hereditary cancer-predisposing syndrome. Last evaluated: 2023-12-05. Review status: criteria provided, single submitter. Criteria: ACMG Guidelines, 2015. Collection method: clinical testing. Allele origin: germline.
Comment: This missense variant replaces asparagine with serine at codon 992 of the ATM protein. Computational prediction suggests that this variant may not impact protein structure and function (internally defined REVEL score threshold <= 0.5, PMID: 27666373). To our knowledge, functional studies have not been reported for this variant. This variant has not been reported in individuals affected with ATM-related disorders in the literature. This variant has not been identified in the general population by the Genome Aggregation Database (gnomAD). The available evidence is insufficient to determine the role of this variant in disease conclusively. Therefore, this variant is classified as a Variant of Uncertain Significance.

Labcorp Genetics (formerly Invitae), Labcorp
Classification: Uncertain significance for Ataxia-telangiectasia syndrome. Last evaluated: 2023-11-02. Review status: criteria provided, single submitter. Criteria: Invitae Variant Classification Sherloc (09022015). Collection method: clinical testing. Allele origin: germline.
Comment: This sequence change replaces asparagine, which is neutral and polar, with serine, which is neutral and polar, at codon 992 of the ATM protein (p.Asn992Ser). This variant is not present in population databases (gnomAD no frequency). This variant has not been reported in the literature in individuals affected with ATM-related conditions. ClinVar contains an entry for this variant (Variation ID: 407538). Algorithms developed to predict the effect of missense changes on protein structure and function output the following: SIFT: "Not Available"; PolyPhen-2: "Benign"; Align-GVGD: "Not Available". The serine amino acid residue is found in multiple mammalian species, which suggests that this missense change does not adversely affect protein function. In summary, the available evidence is currently insufficient to determine the role of this variant in disease. Therefore, it has been classified as a Variant of Uncertain Significance.

NM_000051.4(ATM):c.2975A>G (p.Asn992Ser)

Gene: ATM (ATM serine/threonine kinase; plus strand). Cytogenetic location: 11q22.3.
Variant type: single nucleotide variant.
Coding change: c.2975A>G on transcript NM_000051.4 (MANE Select); coding-DNA position 2975, A replaced by G.
Protein change: p.Asn992Ser; replaces asparagine 992 with serine.
Molecular consequence: missense variant.
Genome position (GRCh38, 1-based): chr11:108,271,304, A>G. VCF-style: chr11-108271304-A-G. GRCh37 (hg19) VCF-style: chr11-108142031-A-G.
Other names: c.2975A>G, p.Asn992Ser (NM_001351834.2); short protein forms N992S.
Identifiers: ClinVar variation 407538 (VCV000407538.21), dbSNP rs1060501589, ClinGen allele CA16613391.
Genomic context (GRCh38, chr11:108,271,304, plus strand): 5'-ACCACAGCAATGTGTGTTCTTTGTATCGTCGTGACCAAGATGTTTGTAAAACTATTTTAA[A>G]CCATGTCCTTCATGTAGTGAAAAACCTAGGTCAAAGCAATATGGACTCTGAGAACACAAG-3'
Protein context (NP_000042.3, residues 982-1002): RDQDVCKTIL[Asn992Ser]HVLHVVKNLG